The following is an entry in ClinVar:

ClinVar aggregate classification (germline): Likely pathogenic. Review status: criteria provided, multiple submitters, no conflicts (2 of 4 stars). 2 submissions from 2 submitters: Likely pathogenic (2). Last evaluated 2023-08-02.

Conditions:
Fucosidosis. Also called: ALPHA-L-FUCOSIDASE DEFICIENCY. Identifiers: Orphanet 349, MedGen C0016788, MONDO:0009254, OMIM 230000.

Allele frequency attached by ClinVar (database versions not stated): gnomAD exomes below 0.00001.
gnomAD v4.1: 1 of 1,611,704 alleles (0.000062%); highest among the groups gnomAD compares: Non-Finnish European, 0.000085%; no homozygotes.

Submissions (2):

Labcorp Genetics (formerly Invitae), Labcorp
Classification: Likely pathogenic for Fucosidosis. Last evaluated: 2023-08-02. Review status: criteria provided, single submitter. Criteria: Invitae Variant Classification Sherloc (09022015). Collection method: clinical testing. Allele origin: germline.
Comment: This sequence change replaces serine, which is neutral and polar, with leucine, which is neutral and non-polar, at codon 68 of the FUCA1 protein (p.Ser68Leu). Advanced modeling of protein sequence and biophysical properties (such as structural, functional, and spatial information, amino acid conservation, physicochemical variation, residue mobility, and thermodynamic stability) performed at Invitae indicates that this missense variant is expected to disrupt FUCA1 protein function. In summary, the available evidence is currently insufficient to determine the role of this variant in disease. Therefore, it has been classified as a Variant of Uncertain Significance. This variant is not present in population databases (gnomAD no frequency). This variant has not been reported in the literature in individuals affected with FUCA1-related conditions.

Pediatric/Medical Genetics, Ministry of Health, Qatif Central Hospital
Classification: Likely pathogenic for Fucosidosis. Review status: criteria provided, single submitter. Criteria: ACMG Guidelines, 2015. Collection method: clinical testing. Allele origin: germline. Affected: yes.

NM_000147.5(FUCA1):c.203C>T (p.Ser68Leu)

Gene: FUCA1 (alpha-L-fucosidase 1; minus strand). Cytogenetic location: 1p36.11.
Variant type: single nucleotide variant.
Coding change: c.203C>T on transcript NM_000147.5 (MANE Select); coding-DNA position 203, C replaced by T.
Protein change: p.Ser68Leu; replaces serine 68 with leucine.
Molecular consequence: missense variant. On other transcripts: non-coding transcript variant (4).
Genome position (GRCh38, 1-based): chr1:23,868,084, G>A on the plus strand (C>T on the coding strand, the complement: FUCA1 is on the minus strand). VCF-style: chr1-23868084-G-A. GRCh37 (hg19) VCF-style: chr1-24194574-G-A.
Other names: short protein forms S68L.
Identifiers: ClinVar variation 2578520 (VCV002578520.4), dbSNP rs2521760820, ClinGen allele CA339009836.